The following is an entry in ClinVar:

NM_002485.5(NBN):c.320+4A>G

Gene: NBN (nibrin; minus strand). Cytogenetic location: 8q21.3.
Variant type: single nucleotide variant.
Coding change: c.320+4A>G on transcript NM_002485.5 (MANE Select); 4 bases into the intron after coding-DNA position 320, A replaced by G.
Molecular consequence: intron variant.
Genome position (GRCh38, 1-based): chr8:89,981,371, T>C on the plus strand (A>G on the coding strand, the complement: NBN is on the minus strand). VCF-style: chr8-89981371-T-C. GRCh37 (hg19) VCF-style: chr8-90993599-T-C.
Other names: c.74+4A>G (NM_001024688.3).
Identifiers: ClinVar variation 1998388 (VCV001998388.4), dbSNP rs1279902767, ClinGen allele CA583376222.

ClinVar aggregate classification (germline): Uncertain significance (1 of 4 stars; one submission).

Conditions:
Microcephaly, normal intelligence and immunodeficiency (NBS). Also called: BERLIN BREAKAGE SYNDROME; Immunodeficiency, microcephaly with normal intelligence; Ataxia telangiectasia variant V1; Nijmegen breakage syndrome; Microcephaly with normal intelligence immunodeficiency and lymphoreticular malignancies; Nonsyndromal microcephaly autosomal recessive with normal intelligence. Identifiers: Orphanet 647, MedGen C0398791, MONDO:0009623, OMIM 251260.

Allele frequency attached by ClinVar (database versions not stated): gnomAD exomes below 0.00001.
gnomAD v4.1: 1 of 1,613,558 alleles (0.000062%); highest among the groups gnomAD compares: South Asian, 0.0011%; no homozygotes.

Submission:

Labcorp Genetics (formerly Invitae), Labcorp
Classification: Uncertain significance for Microcephaly, normal intelligence and immunodeficiency. Last evaluated: 2022-05-24. Review status: criteria provided, single submitter. Criteria: Invitae Variant Classification Sherloc (09022015). Collection method: clinical testing. Allele origin: germline.
Comment: This variant is present in population databases (no rsID available, gnomAD 0.003%). This sequence change falls in intron 3 of the NBN gene. It does not directly change the encoded amino acid sequence of the NBN protein. It affects a nucleotide within the consensus splice site. This variant has not been reported in the literature in individuals affected with NBN-related conditions. In summary, the available evidence is currently insufficient to determine the role of this variant in disease. Therefore, it has been classified as a Variant of Uncertain Significance. Variants that disrupt the consensus splice site are a relatively common cause of aberrant splicing (PMID: 17576681, 9536098). Algorithms developed to predict the effect of sequence changes on RNA splicing suggest that this variant is not likely to affect RNA splicing.

Literature cited by the submitters: PubMed 17576681; PubMed 9536098.